The following is an entry in ClinVar:

NM_001205019.2(GK):c.907_908insC (p.Asp303fs)

Genes: GK (glycerol kinase; plus strand), GK-AS1 (GK antisense RNA 1; minus strand). Cytogenetic location: Xp21.2.
Variant type: Insertion.
Coding change: c.907_908insC on transcript NM_001205019.2 (MANE Select); coding-DNA positions 907 to 908, C inserted.
Protein change: p.Asp303fs; shifts the reading frame from aspartic acid 303.
Molecular consequence: frameshift variant. On other transcripts: non-coding transcript variant (1).
Genome position: GRCh38 VCF-style: chrX-30708066-G-GC. GRCh37 (hg19) VCF-style: chrX-30726183-G-GC.
Other names: c.889_890insC, p.Asp297fs (NM_000167.6, NM_001128127.3); c.907_908insC, p.Asp303fs (NM_203391.4); short protein forms D303fs, D297fs.
Identifiers: ClinVar variation 426447 (VCV000426447.3), dbSNP rs1085307629, ClinGen allele CA645293925.
Genomic context (GRCh38, chrX:30,708,066, plus strand): 5'-ATCTTTTCATTTTCCACTACTGAAATCTTTTTTTTTTCTTTCTTACAGTGTGTATTTTCT[G>GC]ATCATGGCCTTCTCACCACAGTGGCTTACAAACTTGGCAGAGACAAACCAGTATATTATG-3'

ClinVar aggregate classification (germline): Pathogenic (1 of 4 stars; one submission).

Submission:

GeneDx
Classification: Pathogenic. Last evaluated: 2019-11-17. Review status: criteria provided, single submitter. Criteria: GeneDx Variant Classification Process June 2021. Collection method: clinical testing. Allele origin: germline. Affected: yes.
Comment: Frameshift variant predicted to result in protein truncation or nonsense mediated decay in a gene for which loss-of-function is a known mechanism of disease; Not observed in large population cohorts (Lek et al., 2016); Has not been previously published as pathogenic or benign to our knowledge